The following is an entry in ClinVar:

NM_000282.4(PCCA):c.1195C>T (p.Arg399Trp)

Gene: PCCA (propionyl-CoA carboxylase subunit alpha; plus strand). Cytogenetic location: 13q32.3.
Variant type: single nucleotide variant.
Coding change: c.1195C>T on transcript NM_000282.4 (MANE Select); coding-DNA position 1195, C replaced by T.
Protein change: p.Arg399Trp; replaces arginine 399 with tryptophan.
Molecular consequence: missense variant. On other transcripts: non-coding transcript variant (5), intron variant (3).
Genome position (GRCh38, 1-based): chr13:100,301,589, C>T. VCF-style: chr13-100301589-C-T. GRCh37 (hg19) VCF-style: chr13-100953843-C-T.
Other names: c.250C>T, p.Arg84Trp (NM_001352611.2, NM_001352610.2); c.1066-1335C>T (NM_001352606.2); c.121-1335C>T (NM_001352612.2); c.988-1335C>T (NM_001352608.2); c.1117C>T, p.Arg373Trp (NM_001127692.3, NM_001352607.2); c.1195C>T, p.Arg399Trp (NM_001178004.2, NM_001352605.2, NM_001352609.2); short protein forms R373W, R399W, R84W.
Identifiers: ClinVar variation 662772 (VCV000662772.10), dbSNP rs1234167788, ClinGen allele CA388695371.

ClinVar aggregate classification (germline): Pathogenic (1 of 4 stars; one submission).

Conditions:
Propionic acidemia (PROP). Also called: GLYCINEMIA, KETOTIC; HYPERGLYCINEMIA WITH KETOACIDOSIS AND LEUKOPENIA; KETOTIC HYPERGLYCINEMIA. Identifiers: Orphanet 35, MedGen C0268579, MONDO:0011628, OMIM 606054, HP:0003571.

Allele frequency attached by ClinVar (database versions not stated): gnomAD 0.00001; TOPMed 0.00002.

Submission:

Labcorp Genetics (formerly Invitae), Labcorp
Classification: Pathogenic for Propionic acidemia. Last evaluated: 2025-11-25. Review status: criteria provided, single submitter. Criteria: Invitae Variant Classification Sherloc (09022015). Collection method: clinical testing. Allele origin: germline.
Comment: This sequence change replaces arginine, which is basic and polar, with tryptophan, which is neutral and slightly polar, at codon 399 of the PCCA protein (p.Arg399Trp). This variant is present in population databases (no rsID available, gnomAD 0.006%). This missense change has been observed in individual(s) with propionic acidemia (PMID: 30274917; internal data). In at least one individual the data is consistent with being in trans (on the opposite chromosome) from a pathogenic variant. ClinVar contains an entry for this variant (Variation ID: 662772). Invitae Evidence Modeling of protein sequence and biophysical properties (such as structural, functional, and spatial information, amino acid conservation, physicochemical variation, residue mobility, and thermodynamic stability) indicates that this missense variant is expected to disrupt PCCA protein function with a positive predictive value of 80%. This variant disrupts the p.Arg399 amino acid residue in PCCA. Other variant(s) that disrupt this residue have been observed in individuals with PCCA-related conditions (PMID: 10518292), which suggests that this may be a clinically significant amino acid residue. For these reasons, this variant has been classified as Pathogenic.

Literature cited by the submitters: PubMed 30274917; PubMed 10518292.